The following is an entry in ClinVar:

NM_002439.5(MSH3):c.2457C>T (p.His819=)

Gene: MSH3 (mutS homolog 3; plus strand). Cytogenetic location: 5q14.1.
Variant type: single nucleotide variant.
Coding change: c.2457C>T on transcript NM_002439.5 (MANE Select); coding-DNA position 2457, C replaced by T.
Protein change: p.His819=; no amino-acid change (histidine 819 retained).
Molecular consequence: synonymous variant.
Genome position (GRCh38, 1-based): chr5:80,787,586, C>T. VCF-style: chr5-80787586-C-T. GRCh37 (hg19) VCF-style: chr5-80083405-C-T.
Other names: c.2457C>T (NM_002439.3).
Identifiers: ClinVar variation 761048 (VCV000761048.13), dbSNP rs1580051120, ClinGen allele CA445164447.

ClinVar aggregate classification (germline): Conflicting classifications of pathogenicity. Review status: criteria provided, conflicting classifications (1 of 4 stars). 3 submissions from 3 submitters: Uncertain significance (1); Likely benign (2). Last evaluated 2026-01-18.

Conditions:
Hereditary cancer-predisposing syndrome. Also called: Tumor predisposition; Neoplastic Syndromes, Hereditary; Hereditary Cancer Syndrome; Hereditary neoplastic syndrome. Identifiers: Orphanet 140162, MedGen C0027672, MeSH D009386, MONDO:0015356.

Allele frequency attached by ClinVar (database versions not stated): TOPMed below 0.00001.

Submissions (3):

Labcorp Genetics (formerly Invitae), Labcorp
Classification: Likely benign. Last evaluated: 2026-01-18. Review status: criteria provided, single submitter. Criteria: Invitae Variant Classification Sherloc (09022015). Collection method: clinical testing. Allele origin: germline.

Quest Diagnostics Nichols Institute San Juan Capistrano
Classification: Uncertain significance. Last evaluated: 2024-03-04. Review status: criteria provided, single submitter. Criteria: Quest Diagnostics criteria. Collection method: clinical testing. Allele origin: unknown.
Comment: The MSH3 c.2457C>T (p.His819=) synonymous variant has not been reported in individuals with MSH3-related conditions in the published literature. It also has not been reported in large, multi-ethnic general populations (Genome Aggregation Database). Analysis of this variant using software algorithms for the prediction of the effect of nucleotide changes on splicing yielded predictions that this variant does not affect MSH3 mRNA splicing. Based on the available information, we are unable to determine the clinical significance of this variant.

Ambry Genetics
Classification: Likely benign for Hereditary cancer-predisposing syndrome. Last evaluated: 2022-11-30. Review status: criteria provided, single submitter. Criteria: Ambry Variant Classification Scheme 2023. Collection method: clinical testing. Allele origin: germline.